The following is an entry in ClinVar:

NM_004958.4(MTOR):c.5506_5517del (p.Ala1836_Thr1839del)

Gene: MTOR (mechanistic target of rapamycin kinase; minus strand). Cytogenetic location: 1p36.22.
Variant type: Deletion.
Coding change: c.5506_5517del on transcript NM_004958.4 (MANE Select); coding-DNA positions 5506 to 5517, 12 bases deleted (GCCACTGCCACC).
Protein change: p.Ala1836_Thr1839del.
Molecular consequence: inframe deletion.
Genome position (GRCh38, 1-based): chr1:11,130,625-11,130,636, GGTGGCAGTGGC deleted on the plus strand (GCCACTGCCACC on the coding strand, the reverse complement: MTOR is on the minus strand); deleting any 12 consecutive bases within chr1:11,130,625-11,130,638 gives the same sequence; the c. name uses the placement nearest the transcript's 3' end. VCF-style (leftmost placement, unchanged base first): chr1-11130624-TGGTGGCAGTGGC-T. GRCh37 (hg19) VCF-style: chr1-11190681-TGGTGGCAGTGGC-T.
Other names: c.5506_5517del, p.Ala1836_Thr1839del (NM_001386500.1); c.4258_4269del, p.Ala1420_Thr1423del (NM_001386501.1).
Identifiers: ClinVar variation 2859382 (VCV002859382.3), dbSNP rs2522337909, ClinGen allele CA2739272314.

ClinVar aggregate classification (germline): Uncertain significance (1 of 4 stars; one submission).

Submission:

Labcorp Genetics (formerly Invitae), Labcorp
Classification: Uncertain significance. Last evaluated: 2023-04-26. Review status: criteria provided, single submitter. Criteria: Invitae Variant Classification Sherloc (09022015). Collection method: clinical testing. Allele origin: germline.
Comment: This variant, c.5506_5517del, results in the deletion of 4 amino acid(s) of the MTOR protein (p.Ala1836_Thr1839del), but otherwise preserves the integrity of the reading frame. This variant is not present in population databases (gnomAD no frequency). This variant has not been reported in the literature in individuals affected with MTOR-related conditions. In summary, the available evidence is currently insufficient to determine the role of this variant in disease. Therefore, it has been classified as a Variant of Uncertain Significance.